The following is an entry in ClinVar:

ClinVar aggregate classification (germline): Uncertain significance. Review status: criteria provided, multiple submitters, no conflicts (2 of 4 stars). 2 submissions from 2 submitters: Uncertain significance (2). Last evaluated 2024-01-17.

Allele frequency attached by ClinVar (database versions not stated): ExAC 0.00001; gnomAD 0.00001; gnomAD exomes 0.00001 and 0.00002.
gnomAD v4.1: 27 of 1,603,644 alleles (0.0017%); highest among the groups gnomAD compares: Non-Finnish European, 0.0022%; no homozygotes.

Submissions (2):

Labcorp Genetics (formerly Invitae), Labcorp
Classification: Uncertain significance. Last evaluated: 2024-01-17. Review status: criteria provided, single submitter. Criteria: Invitae Variant Classification Sherloc (09022015). Collection method: clinical testing. Allele origin: germline.
Comment: This sequence change replaces asparagine, which is neutral and polar, with aspartic acid, which is acidic and polar, at codon 162 of the EIF2B2 protein (p.Asn162Asp). This variant is present in population databases (rs753454455, gnomAD 0.002%). This variant has not been reported in the literature in individuals affected with EIF2B2-related conditions. ClinVar contains an entry for this variant (Variation ID: 1450983). Advanced modeling of protein sequence and biophysical properties (such as structural, functional, and spatial information, amino acid conservation, physicochemical variation, residue mobility, and thermodynamic stability) performed at Invitae indicates that this missense variant is not expected to disrupt EIF2B2 protein function with a negative predictive value of 80%. In summary, the available evidence is currently insufficient to determine the role of this variant in disease. Therefore, it has been classified as a Variant of Uncertain Significance.

Blueprint Genetics
Classification: Uncertain significance. Last evaluated: 2023-02-16. Review status: criteria provided, single submitter. Criteria: ACMG Guidelines, 2015. Collection method: clinical testing. Allele origin: germline.

NM_014239.4(EIF2B2):c.484A>G (p.Asn162Asp)

Gene: EIF2B2 (eukaryotic translation initiation factor 2B subunit beta; plus strand). Cytogenetic location: 14q24.3.
Variant type: single nucleotide variant.
Coding change: c.484A>G on transcript NM_014239.4 (MANE Select); coding-DNA position 484, A replaced by G.
Protein change: p.Asn162Asp; replaces asparagine 162 with aspartic acid.
Molecular consequence: missense variant.
Genome position (GRCh38, 1-based): chr14:75,004,787, A>G. VCF-style: chr14-75004787-A-G. GRCh37 (hg19) VCF-style: chr14-75471490-A-G.
Other names: short protein forms N162D.
Identifiers: ClinVar variation 1450983 (VCV001450983.7), dbSNP rs753454455, ClinGen allele CA7274961.
Genomic context (GRCh38, chr14:75,004,787, plus strand): 5'-GTTCTTACAGAAGGGACAATGGAGAACATTGCAGCCCAGGCTCTGGAGCACATTCACTCC[A>G]ATGAGGTGATCATGACCATTGGCTTCTCCCGAACAGTAGAGGCCTTCCTCAAAGAGGCTG-3'
Protein context (NP_055054.1, residues 152-172): AAQALEHIHS[Asn162Asp]EVIMTIGFSR